The following is an entry in ClinVar:

NM_001005373.4(LRSAM1):c.147T>G (p.Phe49Leu)

Gene: LRSAM1 (leucine rich repeat and sterile alpha motif containing 1; plus strand). Cytogenetic location: 9q33.3.
Variant type: single nucleotide variant.
Coding change: c.147T>G on transcript NM_001005373.4 (MANE Select); coding-DNA position 147, T replaced by G.
Protein change: p.Phe49Leu; replaces phenylalanine 49 with leucine.
Molecular consequence: missense variant. On other transcripts: 5 prime UTR variant (1), non-coding transcript variant (2).
Genome position (GRCh38, 1-based): chr9:127,455,593, T>G. VCF-style: chr9-127455593-T-G. GRCh37 (hg19) VCF-style: chr9-130217872-T-G.
Other names: c.147T>G, p.Phe49Leu (NM_001005374.4, NM_001190723.3, NM_001384142.1 and 2 more transcripts); c.-638T>G (NM_001384144.1); short protein forms F49L.
Identifiers: ClinVar variation 2191635 (VCV002191635.4), dbSNP rs1464816052, ClinGen allele CA374962818.

ClinVar aggregate classification (germline): Uncertain significance (1 of 4 stars; one submission).

Conditions:
Charcot-Marie-Tooth disease axonal type 2P. Also called: Charcot-Marie-Tooth Neuropathy Type 2G; CHARCOT-MARIE-TOOTH NEUROPATHY, TYPE 2P; CHARCOT-MARIE-TOOTH DISEASE, AXONAL, TYPE 2G; CMT 2G. Identifiers: Orphanet 300319, Orphanet 99941, MedGen C3280797, MONDO:0013753, OMIM 614436.

Allele frequency attached by ClinVar (database versions not stated): TOPMed below 0.00001; gnomAD 0.00001.
gnomAD v4.1: 8 of 1,613,858 alleles (0.0005%); highest among the groups gnomAD compares: Non-Finnish European, 0.00059%; no homozygotes.

Submission:

Labcorp Genetics (formerly Invitae), Labcorp
Classification: Uncertain significance for Charcot-Marie-Tooth disease axonal type 2P. Last evaluated: 2022-09-16. Review status: criteria provided, single submitter. Criteria: Invitae Variant Classification Sherloc (09022015). Collection method: clinical testing. Allele origin: germline.
Comment: In summary, the available evidence is currently insufficient to determine the role of this variant in disease. Therefore, it has been classified as a Variant of Uncertain Significance. Advanced modeling of protein sequence and biophysical properties (such as structural, functional, and spatial information, amino acid conservation, physicochemical variation, residue mobility, and thermodynamic stability) performed at Invitae indicates that this missense variant is not expected to disrupt LRSAM1 protein function. This variant has not been reported in the literature in individuals affected with LRSAM1-related conditions. This variant is present in population databases (no rsID available, gnomAD 0.007%). This sequence change replaces phenylalanine, which is neutral and non-polar, with leucine, which is neutral and non-polar, at codon 49 of the LRSAM1 protein (p.Phe49Leu).